The following is an entry in ClinVar:

NM_007272.3(CTRC):c.538G>A (p.Val180Met)

Gene: CTRC (chymotrypsin C; plus strand). Cytogenetic location: 1p36.21.
Variant type: single nucleotide variant.
Coding change: c.538G>A on transcript NM_007272.3 (MANE Select); coding-DNA position 538, G replaced by A.
Protein change: p.Val180Met; replaces valine 180 with methionine.
Molecular consequence: missense variant.
Genome position (GRCh38, 1-based): chr1:15,444,650, G>A. VCF-style: chr1-15444650-G-A. GRCh37 (hg19) VCF-style: chr1-15771145-G-A.
Other names: short protein forms V180M.
Identifiers: ClinVar variation 1392770 (VCV001392770.11), dbSNP rs780050276, ClinGen allele CA613378.

ClinVar aggregate classification (germline): Uncertain significance. Review status: criteria provided, multiple submitters, no conflicts (2 of 4 stars). 2 submissions from 2 submitters: Uncertain significance (2). Last evaluated 2024-06-03.

Conditions:
Hereditary pancreatitis (PCTT). Also called: PRSS1-Related Hereditary Pancreatitis; Hereditary chronic pancreatitis. Identifiers: Orphanet 676, MedGen C0238339, MONDO:0008185, OMIM 167800.

Allele frequency attached by ClinVar (database versions not stated): gnomAD 0.00001; TOPMed 0.00002.
gnomAD v4.1: 29 of 1,614,100 alleles (0.0018%); highest among the groups gnomAD compares: Middle Eastern, 0.016%; no homozygotes.

Submissions (2):

Labcorp Genetics (formerly Invitae), Labcorp
Classification: Uncertain significance for Hereditary pancreatitis. Last evaluated: 2024-06-03. Review status: criteria provided, single submitter. Criteria: Invitae Variant Classification Sherloc (09022015). Collection method: clinical testing. Allele origin: germline.
Comment: This sequence change replaces valine, which is neutral and non-polar, with methionine, which is neutral and non-polar, at codon 180 of the CTRC protein (p.Val180Met). This variant is present in population databases (rs780050276, gnomAD 0.005%). This missense change has been observed in individual(s) with acute pancreatitis (PMID: 35171259). ClinVar contains an entry for this variant (Variation ID: 1392770). Advanced modeling of protein sequence and biophysical properties (such as structural, functional, and spatial information, amino acid conservation, physicochemical variation, residue mobility, and thermodynamic stability) has been performed at Invitae for this missense variant, however the output from this modeling did not meet the statistical confidence thresholds required to predict the impact of this variant on CTRC protein function. In summary, the available evidence is currently insufficient to determine the role of this variant in disease. Therefore, it has been classified as a Variant of Uncertain Significance.

Ambry Genetics
Classification: Uncertain significance for Hereditary pancreatitis. Last evaluated: 2023-01-27. Review status: criteria provided, single submitter. Criteria: Ambry Variant Classification Scheme 2023. Collection method: clinical testing. Allele origin: germline.
Comment: The p.V180M variant (also known as c.538G>A), located in coding exon 6 of the CTRC gene, results from a G to A substitution at nucleotide position 538. The valine at codon 180 is replaced by methionine, an amino acid with highly similar properties. This amino acid position is not well conserved in available vertebrate species. In addition, the in silico prediction for this alteration is inconclusive. Since supporting evidence is limited at this time, the clinical significance of this alteration remains unclear.

Literature cited by the submitters: PubMed 35171259 (cited by Labcorp Genetics (formerly Invitae), Labcorp).